The following is an entry in ClinVar:

NM_003072.5(SMARCA4):c.2158G>A (p.Val720Met)

Gene: SMARCA4 (SWI/SNF related BAF chromatin remodeling complex subunit ATPase 4; plus strand). Cytogenetic location: 19p13.2.
Variant type: single nucleotide variant.
Coding change: c.2158G>A on transcript NM_003072.5 (MANE Select); coding-DNA position 2158, G replaced by A.
Protein change: p.Val720Met; replaces valine 720 with methionine.
Molecular consequence: missense variant. On other transcripts: non-coding transcript variant (1).
Genome position (GRCh38, 1-based): chr19:11,010,415, G>A. VCF-style: chr19-11010415-G-A. GRCh37 (hg19) VCF-style: chr19-11121091-G-A.
Other names: c.2158G>A, p.Val720Met (NM_001128846.2, NM_001128847.4, NM_001128848.2 and 5 more transcripts); short protein forms V720M.
Identifiers: ClinVar variation 480604 (VCV000480604.11), dbSNP rs1555773256, ClinGen allele CA404052728.

ClinVar aggregate classification (germline): Uncertain significance. Review status: criteria provided, multiple submitters, no conflicts (2 of 4 stars). 2 submissions from 2 submitters: Uncertain significance (2). Last evaluated 2025-04-07.

Conditions:
Hereditary cancer-predisposing syndrome. Also called: Hereditary Cancer Syndrome; Neoplastic Syndromes, Hereditary; Tumor predisposition; Hereditary neoplastic syndrome. Identifiers: Orphanet 140162, MedGen C0027672, MeSH D009386, MONDO:0015356.
Rhabdoid tumor predisposition syndrome 2 (RTPS2). Identifiers: Orphanet 231108, Orphanet 69077, MedGen C2750074, MONDO:0013224, OMIM 613325.

Allele frequency attached by ClinVar (database versions not stated): gnomAD exomes below 0.00001.

Submissions (2):

Ambry Genetics
Classification: Uncertain significance for Hereditary cancer-predisposing syndrome. Last evaluated: 2025-04-07. Review status: criteria provided, single submitter. Criteria: Ambry Variant Classification Scheme 2023. Collection method: clinical testing. Allele origin: germline.
Comment: The p.V720M variant (also known as c.2158G>A), located in coding exon 14 of the SMARCA4 gene, results from a G to A substitution at nucleotide position 2158. The valine at codon 720 is replaced by methionine, an amino acid with highly similar properties. This amino acid position is not well conserved in available vertebrate species. In addition, this alteration is predicted to be tolerated by in silico analysis. Missense and in-frame variants in SMARCA4 are known to cause neurodevelopmental disorders; however, such associations with rhabdoid tumor predisposition syndrome including small cell carcinoma of the ovary-hypercalcemic type (SCCOHT) are exceedingly rare (Kosho T et al. Am J Med Genet C Semin Med Genet. 2014 Sep;166C(3):262-75; Jelinic P et al. Nat Genet. 2014 May;46(5):424-6). Based on the supporting evidence, the association of this alteration with Coffin-Siris syndrome is unknown; however, the association of this alteration with rhabdoid tumor predisposition syndrome is unlikely.

Labcorp Genetics (formerly Invitae), Labcorp
Classification: Uncertain significance for Rhabdoid tumor predisposition syndrome 2. Last evaluated: 2023-02-03. Review status: criteria provided, single submitter. Criteria: Invitae Variant Classification Sherloc (09022015). Collection method: clinical testing. Allele origin: germline.
Comment: Advanced modeling of protein sequence and biophysical properties (such as structural, functional, and spatial information, amino acid conservation, physicochemical variation, residue mobility, and thermodynamic stability) performed at Invitae indicates that this missense variant is not expected to disrupt SMARCA4 protein function. This sequence change replaces valine, which is neutral and non-polar, with methionine, which is neutral and non-polar, at codon 720 of the SMARCA4 protein (p.Val720Met). This variant is not present in population databases (gnomAD no frequency). This variant has not been reported in the literature in individuals affected with SMARCA4-related conditions. ClinVar contains an entry for this variant (Variation ID: 480604). In summary, the available evidence is currently insufficient to determine the role of this variant in disease. Therefore, it has been classified as a Variant of Uncertain Significance.